The following is an entry in ClinVar:

NM_000059.4(BRCA2):c.9997C>G (p.Leu3333Val)

Gene: BRCA2 (BRCA2 DNA repair associated; plus strand). Cytogenetic location: 13q13.1.
Variant type: single nucleotide variant.
Coding change: c.9997C>G on transcript NM_000059.4 (MANE Select); coding-DNA position 9997, C replaced by G.
Protein change: p.Leu3333Val; replaces leucine 3333 with valine.
Molecular consequence: missense variant.
Genome position (GRCh38, 1-based): chr13:32,398,510, C>G. VCF-style: chr13-32398510-C-G. GRCh37 (hg19) VCF-style: chr13-32972647-C-G.
Other names: short protein forms L3333V.
Identifiers: ClinVar variation 142831 (VCV000142831.21), dbSNP rs567476314, ClinGen allele CA026355.

ClinVar aggregate classification (germline): Conflicting classifications of pathogenicity. Review status: criteria provided, conflicting classifications (1 of 4 stars). 8 submissions from 8 submitters: Uncertain significance (6); Likely benign (1). 1 of the submissions does not count toward it. Last evaluated 2025-11-20.

Conditions:
Hereditary cancer-predisposing syndrome. Also called: Hereditary Cancer Syndrome; Neoplastic Syndromes, Hereditary; Tumor predisposition; Hereditary neoplastic syndrome. Identifiers: Orphanet 140162, MedGen C0027672, MeSH D009386, MONDO:0015356.
Hereditary breast ovarian cancer syndrome. Also called: Breast and ovarian cancer; Hereditary breast and/or ovarian cancer syndrome; Hereditary breast and ovarian cancer syndrome; Hereditary breast and ovarian cancer; Hereditary breast and ovarian cancer syndrome (HBOC); BRCA1- and BRCA2-Associated Hereditary Breast and Ovarian Cancer. Identifiers: Orphanet 145, MedGen C0677776, MeSH D061325, MONDO:0003582. Disease mechanism: loss of function.
Breast-ovarian cancer, familial, susceptibility to, 2 (BROVCA2). Also called: BRCA2 Hereditary Breast and Ovarian Cancer. Identifiers: Orphanet 145, MedGen C2675520, MONDO:0012933, OMIM 612555. Disease mechanism: loss of function.

Allele frequency attached by ClinVar (database versions not stated): 1000 Genomes Project 30x 0.00016; gnomAD 0.00001; gnomAD exomes 0.00001 and below 0.00001; 1000 Genomes Project 0.00020.
gnomAD v4.1: 4 of 1,614,104 alleles (0.00025%); highest among the groups gnomAD compares: East Asian, 0.0045%; no homozygotes.

Submissions (8):

Helix
Classification: Uncertain significance for Breast-ovarian cancer, familial, susceptibility to, 2. Last evaluated: 2025-11-20. Review status: criteria provided, single submitter. Criteria: ACMG Guidelines, 2015. Collection method: clinical testing. Allele origin: germline. Inheritance: Autosomal dominant inheritance.
Comment: This variant (NM_000059.4:c.9997C>G p.Leu3333Val) results in the substitution of leucine with valine at codon 3333 in the BRCA2 protein. It is present in the gnomAD population database (v4.1) at the highest allele frequency in the East Asian subpopulation among non-founder subpopulations (2/44892 alleles, 0.0045%). To our knowledge, this variant has not been reported in individuals with BRCA2-related conditions in the published literature. In silico prediction from BayesDel (PMID: 27995669) suggests that this variant may be benign. This variant is present in ClinVar (Accession: VCV000142831.18). In conclusion, since the available evidence is limited, the clinical significance of this variant is unclear at this time. Therefore, it is classified as a Variant of Uncertain Significance.

Ambry Genetics
Classification: Uncertain significance for Hereditary cancer-predisposing syndrome. Last evaluated: 2025-11-01. Review status: criteria provided, single submitter. Criteria: Ambry Variant Classification Scheme 2023. Collection method: clinical testing. Allele origin: germline.
Comment: The p.L3333V variant (also known as c.9997C>G), located in coding exon 26 of the BRCA2 gene, results from a C to G substitution at nucleotide position 9997. The leucine at codon 3333 is replaced by valine, an amino acid with highly similar properties. This amino acid position is not well conserved in available vertebrate species. In addition, this alteration is predicted to be tolerated by in silico analysis. Since supporting evidence is limited at this time, the clinical significance of this alteration remains unclear.

Color Diagnostics, LLC DBA Color Health
Classification: Uncertain significance for Hereditary cancer-predisposing syndrome. Last evaluated: 2025-07-30. Review status: criteria provided, single submitter. Criteria: ACMG Guidelines, 2015. Collection method: clinical testing. Allele origin: germline.
Comment: This missense variant replaces leucine with valine at codon 3333 of the BRCA2 protein. Computational prediction suggests that this variant may not impact protein structure and function. To our knowledge, functional studies have not been reported for this variant. This variant has been reported in an individual affected with breast cancer (PMID: 22722201). This variant has been identified in 2/250758 chromosomes in the general population by the Genome Aggregation Database (gnomAD). The available evidence is insufficient to determine the role of this variant in disease conclusively. Therefore, this variant is classified as a Variant of Uncertain Significance.

Labcorp Genetics (formerly Invitae), Labcorp
Classification: Uncertain significance for Hereditary breast ovarian cancer syndrome. Last evaluated: 2025-07-02. Review status: criteria provided, single submitter. Criteria: Invitae Variant Classification Sherloc (09022015). Collection method: clinical testing. Allele origin: germline.
Comment: This sequence change replaces leucine, which is neutral and non-polar, with valine, which is neutral and non-polar, at codon 3333 of the BRCA2 protein (p.Leu3333Val). This variant is present in population databases (rs567476314, gnomAD 0.003%). This variant has not been reported in the literature in individuals affected with BRCA2-related conditions. ClinVar contains an entry for this variant (Variation ID: 142831). Invitae Evidence Modeling of protein sequence and biophysical properties (such as structural, functional, and spatial information, amino acid conservation, physicochemical variation, residue mobility, and thermodynamic stability) indicates that this missense variant is not expected to disrupt BRCA2 protein function with a negative predictive value of 95%. In summary, the available evidence is currently insufficient to determine the role of this variant in disease. Therefore, it has been classified as a Variant of Uncertain Significance.

Quest Diagnostics Nichols Institute San Juan Capistrano
Classification: Uncertain significance. Last evaluated: 2019-02-14. Review status: criteria provided, single submitter. Criteria: Quest Diagnostics criteria. Collection method: clinical testing. Allele origin: germline.

GeneDx
Classification: Likely benign. Last evaluated: 2018-06-04. Review status: criteria provided, single submitter. Criteria: GeneDx Variant Classification (06012015). Collection method: clinical testing. Allele origin: germline. Affected: yes.
Comment: This variant is considered likely benign or benign based on one or more of the following criteria: it is a conservative change, it occurs at a poorly conserved position in the protein, it is predicted to be benign by multiple in silico algorithms, and/or has population frequency not consistent with disease.

PreventionGenetics, part of Exact Sciences
Classification: Uncertain significance. Last evaluated: 2018-01-08. Review status: criteria provided, single submitter. Criteria: ACMG Guidelines, 2015. Collection method: clinical testing. Allele origin: germline.

Counsyl
Classification: Uncertain significance for Breast-ovarian cancer, familial, susceptibility to, 2. Last evaluated: 2017-03-24. Review status: no assertion criteria provided. Collection method: clinical testing. Allele origin: unknown. Not counted in ClinVar's aggregate classification.

Literature cited by the submitters: PubMed 22722201 (cited by Color Diagnostics, LLC DBA Color Health).